The following is an entry in ClinVar:

NM_139057.4(ADAMTS17):c.2067C>T (p.Cys689=)

Gene: ADAMTS17 (ADAM metallopeptidase with thrombospondin type 1 motif 17; minus strand). Cytogenetic location: 15q26.3.
Variant type: single nucleotide variant.
Coding change: c.2067C>T on transcript NM_139057.4 (MANE Select); coding-DNA position 2067, C replaced by T.
Protein change: p.Cys689=; no amino-acid change (cysteine 689 retained).
Molecular consequence: synonymous variant.
Genome position (GRCh38, 1-based): chr15:100,096,426, G>A on the plus strand (C>T on the coding strand, the complement: ADAMTS17 is on the minus strand). VCF-style: chr15-100096426-G-A. GRCh37 (hg19) VCF-style: chr15-100636631-G-A.
Identifiers: ClinVar variation 315272 (VCV000315272.16), dbSNP rs200809221, ClinGen allele CA10645466.
Genomic context (GRCh38, chr15:100,096,426, plus strand): 5'-GGCGTGGCTGAAGTCGCCCTTCACCAAGTGGCAGGTCTTGCCGTCCCCGCTGCAGACCCC[G>A]CATCTGTCCTCTTTGGCTGCAGACCCGATGATGCCGTCACAGCCGATTTTCTAAAGAACC-3'
Protein context (NP_620688.2, residues 679-699): IIGSAAKEDR[Cys689=]GVCSGDGKTC

ClinVar aggregate classification (germline): Conflicting classifications of pathogenicity. Review status: criteria provided, conflicting classifications (1 of 4 stars). 3 submissions from 3 submitters: Uncertain significance (1); Likely benign (2). Last evaluated 2025-04-17.

Conditions:
Weill-Marchesani 4 syndrome, recessive. Also called: Weill-Marchesani syndrome 4. Identifiers: Orphanet 363992, MedGen C2750787, MONDO:0013176, OMIM 613195.

Allele frequency attached by ClinVar (database versions not stated): gnomAD 0.00001 and 0.00003; gnomAD exomes 0.00001 and 0.00002; TOPMed 0.00001; 1000 Genomes Project 30x 0.00016; 1000 Genomes Project 0.00020.
gnomAD v4.1: 35 of 1,614,080 alleles (0.0022%); highest among the groups gnomAD compares: Non-Finnish European, 0.0027%; no homozygotes.

Submissions (3):

Labcorp Genetics (formerly Invitae), Labcorp
Classification: Likely benign. Last evaluated: 2025-04-17. Review status: criteria provided, single submitter. Criteria: Invitae Variant Classification Sherloc (09022015). Collection method: clinical testing. Allele origin: germline.

CeGaT Center for Human Genetics Tuebingen
Classification: Likely benign. Last evaluated: 2025-03-01. Review status: criteria provided, single submitter. Criteria: CeGaT Center For Human Genetics Tuebingen Variant Classification Criteria Version 2. Collection method: clinical testing. Allele origin: germline. Affected: yes. Observed: 1 variant allele.
Comment: ADAMTS17: BP4, BP7

Illumina Laboratory Services, Illumina
Classification: Uncertain significance for Weill-Marchesani 4 syndrome, recessive. Last evaluated: 2018-01-13. Review status: criteria provided, single submitter. Criteria: ICSL Variant Classification Criteria 13 December 2019. Collection method: clinical testing. Allele origin: germline.